The following is an entry in ClinVar:

ClinVar aggregate classification (germline): Uncertain significance (1 of 4 stars; one submission).

gnomAD v4.1: 18 of 1,063,120 alleles (0.0017%); highest among the groups gnomAD compares: Non-Finnish European, 0.0019%; no homozygotes.

Submission:

Labcorp Genetics (formerly Invitae), Labcorp
Classification: Uncertain significance. Last evaluated: 2025-04-10. Review status: criteria provided, single submitter. Criteria: Invitae Variant Classification Sherloc (09022015). Collection method: clinical testing. Allele origin: germline.
Comment: This sequence change replaces serine, which is neutral and polar, with glycine, which is neutral and non-polar, at codon 212 of the GDF1 protein (p.Ser212Gly). This variant is not present in population databases (gnomAD no frequency). This variant has not been reported in the literature in individuals affected with GDF1-related conditions. Invitae Evidence Modeling of protein sequence and biophysical properties (such as structural, functional, and spatial information, amino acid conservation, physicochemical variation, residue mobility, and thermodynamic stability) indicates that this missense variant is not expected to disrupt GDF1 protein function with a negative predictive value of 80%. In summary, the available evidence is currently insufficient to determine the role of this variant in disease. Therefore, it has been classified as a Variant of Uncertain Significance.

NM_001492.6(GDF1):c.634A>G (p.Ser212Gly)

Genes: CERS1 (ceramide synthase 1; minus strand), GDF1 (growth differentiation factor 1; minus strand). Cytogenetic location: 19p13.11.
Variant type: single nucleotide variant.
Coding change: c.634A>G on transcript NM_001492.6 (MANE Select); coding-DNA position 634, A replaced by G.
Protein change: p.Ser212Gly; replaces serine 212 with glycine.
Molecular consequence: missense variant. On other transcripts: 3 prime UTR variant (2).
Genome position (GRCh38, 1-based): chr19:18,869,082, T>C on the plus strand (A>G on the coding strand, the complement: GDF1 is on the minus strand). VCF-style: chr19-18869082-T-C. GRCh37 (hg19) VCF-style: chr19-18979891-T-C.
Other names: c.*1495A>G (NM_001387440.1); c.*903A>G (NM_021267.5); c.634A>G, p.Ser212Gly (NM_001387438.1); short protein forms S212G.
Identifiers: ClinVar variation 4743208 (VCV004743208.1).